The following is an entry in ClinVar:

NM_017565.4(FAM20A):c.98G>T (p.Arg33Leu)

Gene: FAM20A (FAM20A golgi associated secretory pathway pseudokinase; minus strand). Cytogenetic location: 17q24.2.
Variant type: single nucleotide variant.
Coding change: c.98G>T on transcript NM_017565.4 (MANE Select); coding-DNA position 98, G replaced by T.
Protein change: p.Arg33Leu; replaces arginine 33 with leucine.
Molecular consequence: missense variant. On other transcripts: 5 prime UTR variant (1).
Genome position (GRCh38, 1-based): chr17:68,600,569, C>A on the plus strand (G>T on the coding strand, the complement: FAM20A is on the minus strand). VCF-style: chr17-68600569-C-A. GRCh37 (hg19) VCF-style: chr17-66596710-C-A.
Other names: c.-543G>T (NM_001243746.2); short protein forms R33L.
Identifiers: ClinVar variation 941516 (VCV000941516.9), dbSNP rs1282308438, ClinGen allele CA400808152.

ClinVar aggregate classification (germline): Uncertain significance (1 of 4 stars; one submission).

Allele frequency attached by ClinVar (database versions not stated): TOPMed below 0.00001.
gnomAD v4.1: 4 of 1,558,036 alleles (0.00026%); highest among the groups gnomAD compares: Non-Finnish European, 0.00026%; no homozygotes.

Submission:

Labcorp Genetics (formerly Invitae), Labcorp
Classification: Uncertain significance. Last evaluated: 2019-07-12. Review status: criteria provided, single submitter. Criteria: Invitae Variant Classification Sherloc (09022015). Collection method: clinical testing. Allele origin: germline.
Comment: This sequence change replaces arginine with leucine at codon 33 of the FAM20A protein (p.Arg33Leu). The arginine residue is weakly conserved and there is a moderate physicochemical difference between arginine and leucine. The frequency data for this variant in the population databases is considered unreliable, as metrics indicate insufficient coverage at this position in the ExAC database. This variant has not been reported in the literature in individuals with FAM20A-related conditions. Algorithms developed to predict the effect of missense changes on protein structure and function output the following: SIFT: "Tolerated"; PolyPhen-2: "Benign"; Align-GVGD: "Class C0". The leucine amino acid residue is found in multiple mammalian species, suggesting that this missense change does not adversely affect protein function. These predictions have not been confirmed by published functional studies and their clinical significance is uncertain. In summary, the available evidence is currently insufficient to determine the role of this variant in disease. Therefore, it has been classified as a Variant of Uncertain Significance.